The following is an entry in ClinVar:

ClinVar aggregate classification (germline): Likely pathogenic (1 of 4 stars; one submission).

Conditions:
Regional enteritis. Also called: Enteritis, Granulomatous. Identifiers: MedGen C0678202, MeSH D003424.

gnomAD v4.1: 1 of 1,604,692 alleles (0.000062%); highest among the groups gnomAD compares: Non-Finnish European, 0.000085%; no homozygotes.

Submission:

Aleixo Muise Laboratory, Hospital For Sick Children
Classification: Likely pathogenic for Regional enteritis. Last evaluated: 2025-06-05. Review status: criteria provided, single submitter. Criteria: ACMG Guidelines, 2015. Collection method: research, in vitro. Allele origin: de novo, inherited, not applicable. Inheritance: Autosomal unknown. Affected: yes. Observed: 2 heterozygotes. Functional consequence: loss_of_function_variant.
Comment: PP1, PVS1, PM2 - Based on data from gnomAD v4

NM_001165.5(BIRC3):c.1671T>A (p.Cys557Ter)

Gene: BIRC3 (baculoviral IAP repeat containing 3; plus strand). Cytogenetic location: 11q22.2.
Variant type: single nucleotide variant.
Coding change: c.1671T>A on transcript NM_001165.5 (MANE Select); coding-DNA position 1671, T replaced by A.
Protein change: p.Cys557Ter; replaces cysteine 557 with a stop codon.
Molecular consequence: nonsense.
Genome position (GRCh38, 1-based): chr11:102,336,958, T>A. VCF-style: chr11-102336958-T-A. GRCh37 (hg19) VCF-style: chr11-102207689-T-A.
Other names: c.1671T>A, p.Cys557Ter (NM_182962.3); short protein forms C557*.
Identifiers: ClinVar variation 3906849 (VCV003906849.1), dbSNP rs774719063.
Genomic context (GRCh38, chr11:102,336,958, plus strand): 5'-CCTCTTTCTAGATCTACCAGTGGAAGAACAATTGCGGAGACTACAAGAAGAAAGAACATG[T>A]AAAGTGTGTATGGACAAAGAAGTGTCCATAGTGTTTATTCCTTGTGGTCATCTAGTAGTA-3'